The following is an entry in ClinVar:

NM_006267.5(RANBP2):c.*4_*6del

Gene: RANBP2 (RAN binding protein 2; plus strand). Cytogenetic location: 2q13.
Variant type: Deletion.
Coding change: c.*4_*6del on transcript NM_006267.5 (MANE Select); 4 bases downstream of the stop codon through 6 bases downstream of the stop codon, 3 bases deleted (CAT; older notation c.*4_*6delCAT).
Molecular consequence: 3 prime UTR variant.
Genome position (GRCh38, 1-based): chr2:108,783,905-108,783,907, CAT deleted; deleting any 3 consecutive bases within chr2:108,783,903-108,783,907 gives the same sequence; the c. name uses the placement nearest the transcript's 3' end. VCF-style (leftmost placement, unchanged base first): chr2-108783902-AATC-A. GRCh37 (hg19) VCF-style: chr2-109400358-AATC-A.
Other names: c.*4_*6del (NM_001415871.1, NM_001415872.1, NM_001415873.1).
Identifiers: ClinVar variation 3057688 (VCV003057688.2), dbSNP rs747494188, ClinGen allele CA1824055.

ClinVar aggregate classification (germline): Likely benign (0 of 4 stars; one submission).

Conditions:
RANBP2-related disorder. Also called: RANBP2-related condition.

Submission:

PreventionGenetics, part of Exact Sciences
Classification: Likely benign for RANBP2-related condition. Last evaluated: 2021-02-01. Review status: no assertion criteria provided. Collection method: clinical testing. Allele origin: germline.
Comment: This variant is classified as likely benign based on ACMG/AMP sequence variant interpretation guidelines (Richards et al. 2015 PMID: 25741868, with internal and published modifications).